The following is an entry in ClinVar:

NM_001372076.1(PAX9):c.25A>G (p.Asn9Asp)

Gene: PAX9 (paired box 9; plus strand). Cytogenetic location: 14q13.3.
Variant type: single nucleotide variant.
Coding change: c.25A>G on transcript NM_001372076.1 (MANE Select); coding-DNA position 25, A replaced by G.
Protein change: p.Asn9Asp; replaces asparagine 9 with aspartic acid.
Molecular consequence: missense variant.
Genome position (GRCh38, 1-based): chr14:36,662,917, A>G. VCF-style: chr14-36662917-A-G. GRCh37 (hg19) VCF-style: chr14-37132122-A-G.
Other names: c.25A>G, p.Asn9Asp (NM_006194.4); short protein forms N9D.
Identifiers: ClinVar variation 1309239 (VCV001309239.2), dbSNP rs1468664204, ClinGen allele CA389465957.

ClinVar aggregate classification (germline): Uncertain significance (1 of 4 stars; one submission).

Allele frequency attached by ClinVar (database versions not stated): gnomAD exomes below 0.00001; TOPMed below 0.00001.
gnomAD v4.1: 1 of 1,612,126 alleles (0.000062%); no homozygotes.

Submission:

GeneDx
Classification: Uncertain significance. Last evaluated: 2019-10-22. Review status: criteria provided, single submitter. Criteria: GeneDx Variant Classification Process June 2021. Collection method: clinical testing. Allele origin: germline. Affected: yes.
Comment: In silico analysis, which includes protein predictors and evolutionary conservation, supports a deleterious effect; Has not been previously published as pathogenic or benign to our knowledge